The following is an entry in ClinVar:

NM_006939.4(SOS2):c.3152C>T (p.Thr1051Ile)

Gene: SOS2 (SOS Ras/Rho guanine nucleotide exchange factor 2; minus strand). Cytogenetic location: 14q21.3.
Variant type: single nucleotide variant.
Coding change: c.3152C>T on transcript NM_006939.4 (MANE Select); coding-DNA position 3152, C replaced by T.
Protein change: p.Thr1051Ile; replaces threonine 1051 with isoleucine.
Molecular consequence: missense variant.
Genome position (GRCh38, 1-based): chr14:50,130,686, G>A on the plus strand (C>T on the coding strand, the complement: SOS2 is on the minus strand). VCF-style: chr14-50130686-G-A. GRCh37 (hg19) VCF-style: chr14-50597404-G-A.
Other names: c.3053C>T, p.Thr1018Ile (NM_001411020.1); short protein forms T1051I, T1018I.
Identifiers: ClinVar variation 2056624 (VCV002056624.4), dbSNP rs1209560869, ClinGen allele CA389640882.

ClinVar aggregate classification (germline): Uncertain significance (1 of 4 stars; one submission).

Conditions:
Noonan syndrome 9 (NS9). Identifiers: Orphanet 648, MedGen C4225282, MONDO:0014691, OMIM 616559.

Allele frequency attached by ClinVar (database versions not stated): gnomAD exomes below 0.00001.
gnomAD v4.1: 3 of 1,613,838 alleles (0.00019%); highest among the groups gnomAD compares: Middle Eastern, 0.016%; no homozygotes.

Submission:

Labcorp Genetics (formerly Invitae), Labcorp
Classification: Uncertain significance for Noonan syndrome 9. Last evaluated: 2022-01-01. Review status: criteria provided, single submitter. Criteria: Invitae Variant Classification Sherloc (09022015). Collection method: clinical testing. Allele origin: germline.
Comment: Algorithms developed to predict the effect of missense changes on protein structure and function are either unavailable or do not agree on the potential impact of this missense change (SIFT: "Tolerated"; PolyPhen-2: "Possibly Damaging"; Align-GVGD: "Class C0"). In summary, the available evidence is currently insufficient to determine the role of this variant in disease. Therefore, it has been classified as a Variant of Uncertain Significance. This variant has not been reported in the literature in individuals affected with SOS2-related conditions. This variant is present in population databases (no rsID available, gnomAD 0.003%). This sequence change replaces threonine, which is neutral and polar, with isoleucine, which is neutral and non-polar, at codon 1051 of the SOS2 protein (p.Thr1051Ile).